The following is an entry in ClinVar:

ClinVar aggregate classification (germline): Uncertain significance (1 of 4 stars; one submission).

Conditions:
Hereditary cancer-predisposing syndrome. Also called: Neoplastic Syndromes, Hereditary; Tumor predisposition; Hereditary neoplastic syndrome; Hereditary Cancer Syndrome. Identifiers: Orphanet 140162, MedGen C0027672, MeSH D009386, MONDO:0015356.

gnomAD v4.1: 2 of 1,613,948 alleles (0.00012%); highest among the groups gnomAD compares: Non-Finnish European, 0.00017%; no homozygotes.

Submission:

Ambry Genetics
Classification: Uncertain significance for Hereditary cancer-predisposing syndrome. Last evaluated: 2026-08-28. Review status: criteria provided, single submitter. Criteria: Ambry Variant Classification Scheme 2023. Collection method: clinical testing. Allele origin: germline.
Comment: The p.K1060E variant (also known as c.3178A>G), located in coding exon 19 of the RET gene, results from an A to G substitution at nucleotide position 3178. The lysine at codon 1060 is replaced by glutamic acid, an amino acid with similar properties. This amino acid position is conserved. In addition, this alteration is predicted to be deleterious by in silico analysis. Based on the available evidence, the clinical significance of this variant remains unclear.

NM_020975.6(RET):c.3178A>G (p.Lys1060Glu)

Gene: RET (ret proto-oncogene; plus strand). Cytogenetic location: 10q11.21.
Variant type: single nucleotide variant.
Coding change: c.3178A>G on transcript NM_020975.6 (MANE Select); coding-DNA position 3178, A replaced by G.
Protein change: p.Lys1060Glu; replaces lysine 1060 with glutamic acid.
Molecular consequence: missense variant. On other transcripts: intron variant (4).
Genome position (GRCh38, 1-based): chr10:43,126,713, A>G. VCF-style: chr10-43126713-A-G. GRCh37 (hg19) VCF-style: chr10-43622161-A-G.
Other names: c.3127+51A>G (NM_001406760.1, NM_001406759.1); c.2401+51A>G (NM_001406777.1); c.1678+51A>G (NM_001406793.1); c.3043A>G, p.Lys1015Glu (NM_001406765.1, NM_001406763.1); c.2890A>G, p.Lys964Glu (NM_001406766.1, NM_001406767.1, NM_001406770.1); c.2914A>G, p.Lys972Glu (NM_001406768.1); c.2782A>G, p.Lys928Glu (NM_001406769.1, NM_001406772.1); c.2740A>G, p.Lys914Glu (NM_001406771.1, NM_001406773.1); and 13 more; short protein forms K665E, K716E, K721E, K806E, K885E, K964E, K577E, K761E.
Identifiers: ClinVar variation 5028215 (VCV005028215.1).
Genomic context (GRCh38, chr10:43,126,713, plus strand): 5'-CTGGTGGACTGTAATAATGCCCCCCTCCCTCGAGCCCTCCCTTCCACATGGATTGAAAAC[A>G]AACTCTATGGTAGAATTTCCCATGCATTTACTAGATTCTAGCACCGCTGTCCCCTTTGCA-3'
Protein context (NP_066124.1, residues 1050-1070): RALPSTWIEN[Lys1060Glu]LYGMSDPNWP